The following is an entry in ClinVar:

NM_000821.7(GGCX):c.1852C>G (p.Leu618Val)

Gene: GGCX (gamma-glutamyl carboxylase; minus strand). Cytogenetic location: 2p11.2.
Variant type: single nucleotide variant.
Coding change: c.1852C>G on transcript NM_000821.7 (MANE Select); coding-DNA position 1852, C replaced by G.
Protein change: p.Leu618Val; replaces leucine 618 with valine.
Molecular consequence: missense variant.
Genome position (GRCh38, 1-based): chr2:85,550,961, G>C on the plus strand (C>G on the coding strand, the complement: GGCX is on the minus strand). VCF-style: chr2-85550961-G-C. GRCh37 (hg19) VCF-style: chr2-85778084-G-C.
Other names: c.1681C>G, p.Leu561Val (NM_001142269.4); short protein forms L561V, L618V.
Identifiers: ClinVar variation 3699941 (VCV003699941.2).

ClinVar aggregate classification (germline): Uncertain significance (1 of 4 stars; one submission).

gnomAD v4.1: 4 of 1,614,050 alleles (0.00025%); highest among the groups gnomAD compares: Non-Finnish European, 0.00034%; no homozygotes.

Submission:

Labcorp Genetics (formerly Invitae), Labcorp
Classification: Uncertain significance. Last evaluated: 2025-12-08. Review status: criteria provided, single submitter. Criteria: Invitae Variant Classification Sherloc (09022015). Collection method: clinical testing. Allele origin: germline.
Comment: This sequence change replaces leucine, which is neutral and non-polar, with valine, which is neutral and non-polar, at codon 618 of the GGCX protein (p.Leu618Val). This variant is not present in population databases (gnomAD no frequency). This variant has not been reported in the literature in individuals affected with GGCX-related conditions. ClinVar contains an entry for this variant (Variation ID: 3699941). Invitae Evidence Modeling of protein sequence and biophysical properties (such as structural, functional, and spatial information, amino acid conservation, physicochemical variation, residue mobility, and thermodynamic stability) indicates that this missense variant is not expected to disrupt GGCX protein function with a negative predictive value of 80%. In summary, the available evidence is currently insufficient to determine the role of this variant in disease. Therefore, it has been classified as a Variant of Uncertain Significance.